The following is an entry in ClinVar:

NM_022051.3(EGLN1):c.131A>C (p.Lys44Thr)

Gene: EGLN1 (egl-9 family hypoxia inducible factor 1; minus strand). Cytogenetic location: 1q42.2.
Variant type: single nucleotide variant.
Coding change: c.131A>C on transcript NM_022051.3 (MANE Select); coding-DNA position 131, A replaced by C.
Protein change: p.Lys44Thr; replaces lysine 44 with threonine.
Molecular consequence: missense variant.
Genome position (GRCh38, 1-based): chr1:231,421,758, T>G on the plus strand (A>C on the coding strand, the complement: EGLN1 is on the minus strand). VCF-style: chr1-231421758-T-G. GRCh37 (hg19) VCF-style: chr1-231557504-T-G.
Other names: c.131A>C, p.Lys44Thr (NM_001377260.1, NM_001377261.1); short protein forms K44T.
Identifiers: ClinVar variation 3274767 (VCV003274767.1).

ClinVar aggregate classification (germline): Uncertain significance (1 of 4 stars; one submission).

Submission:

Ambry Genetics
Classification: Uncertain significance. Last evaluated: 2024-05-13. Review status: criteria provided, single submitter. Criteria: Ambry Variant Classification Scheme 2023. Collection method: clinical testing. Allele origin: germline.
Comment: The p.K44T variant (also known as c.131A>C), located in coding exon 1 of the EGLN1 gene, results from an A to C substitution at nucleotide position 131. The lysine at codon 44 is replaced by threonine, an amino acid with similar properties. This amino acid position is conserved. In addition, the in silico prediction for this alteration is inconclusive. Based on the available evidence, the clinical significance of this variant remains unclear.